The following is an entry in ClinVar:

NM_001171613.2(PREPL):c.955C>G (p.Leu319Val)

Gene: PREPL (prolyl endopeptidase like; minus strand). Cytogenetic location: 2p21.
Variant type: single nucleotide variant.
Coding change: c.955C>G on transcript NM_001171613.2 (MANE Select); coding-DNA position 955, C replaced by G.
Protein change: p.Leu319Val; replaces leucine 319 with valine.
Molecular consequence: missense variant. On other transcripts: intron variant (1).
Genome position (GRCh38, 1-based): chr2:44,332,590, G>C on the plus strand (C>G on the coding strand, the complement: PREPL is on the minus strand). VCF-style: chr2-44332590-G-C. GRCh37 (hg19) VCF-style: chr2-44559729-G-C.
Other names: c.1036C>G, p.Leu346Val (NM_001042385.2); c.1222C>G, p.Leu408Val (NM_001171603.1, NM_001171606.2, NM_001374275.1 and 2 more transcripts); c.955C>G, p.Leu319Val (NM_001171617.1, NM_001374277.1); c.1156-3478C>G (NM_001042386.2); short protein forms L346V, L408V, L319V.
Identifiers: ClinVar variation 4741731 (VCV004741731.1).

ClinVar aggregate classification (germline): Uncertain significance (1 of 4 stars; one submission).

Conditions:
Myasthenic syndrome, congenital, 22 (CMS22). Also called: PREPL DEFICIENCY. Identifiers: MedGen C4479088, MONDO:0044299, OMIM 616224.

Submission:

Labcorp Genetics (formerly Invitae), Labcorp
Classification: Uncertain significance for Myasthenic syndrome, congenital, 22. Last evaluated: 2025-06-09. Review status: criteria provided, single submitter. Criteria: Invitae Variant Classification Sherloc (09022015). Collection method: clinical testing. Allele origin: germline.
Comment: This sequence change replaces leucine, which is neutral and non-polar, with valine, which is neutral and non-polar, at codon 408 of the PREPL protein (p.Leu408Val). This variant is not present in population databases (gnomAD no frequency). This variant has not been reported in the literature in individuals affected with PREPL-related conditions. Invitae Evidence Modeling of protein sequence and biophysical properties (such as structural, functional, and spatial information, amino acid conservation, physicochemical variation, residue mobility, and thermodynamic stability) indicates that this missense variant is not expected to disrupt PREPL protein function with a negative predictive value of 80%. In summary, the available evidence is currently insufficient to determine the role of this variant in disease. Therefore, it has been classified as a Variant of Uncertain Significance.